The following is an entry in ClinVar:

NM_001004334.4(GPR179):c.2206C>T (p.Arg736Trp)

Gene: GPR179 (G protein-coupled receptor 179; minus strand). Cytogenetic location: 17q12.
Variant type: single nucleotide variant.
Coding change: c.2206C>T on transcript NM_001004334.4 (MANE Select); coding-DNA position 2206, C replaced by T.
Protein change: p.Arg736Trp; replaces arginine 736 with tryptophan.
Molecular consequence: missense variant.
Genome position (GRCh38, 1-based): chr17:38,331,363, G>A on the plus strand (C>T on the coding strand, the complement: GPR179 is on the minus strand). VCF-style: chr17-38331363-G-A. GRCh37 (hg19) VCF-style: chr17-36487246-G-A.
Other names: c.2206C>T (NM_001004334.2); short protein forms R736W.
Identifiers: ClinVar variation 1374236 (VCV001374236.8), dbSNP rs539498416, ClinGen allele CA290106055.

ClinVar aggregate classification (germline): Uncertain significance. Review status: criteria provided, multiple submitters, no conflicts (2 of 4 stars). 3 submissions from 3 submitters: Uncertain significance (3). Last evaluated 2025-10-18.

Conditions:
Inborn genetic diseases. Identifiers: MedGen C0950123, MeSH D030342.

Allele frequency attached by ClinVar (database versions not stated): ExAC 0.00009; 1000 Genomes Project 30x 0.00031; 1000 Genomes Project 0.00040.
gnomAD v4.1: 31 of 1,613,138 alleles (0.0019%); highest among the groups gnomAD compares: Admixed American, 0.017%; no homozygotes.

Submissions (3):

Ambry Genetics
Classification: Uncertain significance for Inborn genetic diseases. Last evaluated: 2025-10-18. Review status: criteria provided, single submitter. Criteria: Ambry Variant Classification Scheme 2023. Collection method: clinical testing. Allele origin: germline.

Labcorp Genetics (formerly Invitae), Labcorp
Classification: Uncertain significance. Last evaluated: 2023-10-09. Review status: criteria provided, single submitter. Criteria: Invitae Variant Classification Sherloc (09022015). Collection method: clinical testing. Allele origin: germline.
Comment: This sequence change replaces arginine, which is basic and polar, with tryptophan, which is neutral and slightly polar, at codon 736 of the GPR179 protein (p.Arg736Trp). This variant is present in population databases (rs539498416, gnomAD 0.03%). This variant has not been reported in the literature in individuals affected with GPR179-related conditions. ClinVar contains an entry for this variant (Variation ID: 1374236). An algorithm developed to predict the effect of missense changes on protein structure and function (PolyPhen-2) suggests that this variant is likely to be disruptive. In summary, the available evidence is currently insufficient to determine the role of this variant in disease. Therefore, it has been classified as a Variant of Uncertain Significance.

Blueprint Genetics
Classification: Uncertain significance. Last evaluated: 2022-04-18. Review status: criteria provided, single submitter. Criteria: ACMG Guidelines, 2015. Collection method: clinical testing. Allele origin: germline.